The following is an entry in ClinVar:

ClinVar aggregate classification (germline): Likely pathogenic (1 of 4 stars; one submission).

Submission:

CeGaT Center for Human Genetics Tuebingen
Classification: Likely pathogenic. Last evaluated: 2026-08-01. Review status: criteria provided, single submitter. Criteria: CeGaT Center For Human Genetics Tuebingen Variant Classification Criteria Version 2. Collection method: clinical testing. Allele origin: germline. Affected: yes. Observed: 1 variant allele.
Comment: CASR: PVS1:Strong, PM2

NM_000388.4(CASR):c.2159_2160dup (p.Leu721fs)

Gene: CASR (calcium sensing receptor; plus strand). Cytogenetic location: 3q21.1.
Variant type: Duplication.
Coding change: c.2159_2160dup on transcript NM_000388.4 (MANE Select); coding-DNA positions 2159 to 2160, 2 bases duplicated (GG; older notation c.2159_2160dupGG).
Protein change: p.Leu721fs; shifts the reading frame from leucine 721.
Molecular consequence: frameshift variant.
Genome position (GRCh38, 1-based): chr3:122,284,113-122,284,114, GG duplicated; duplicating any 2 consecutive bases within chr3:122,284,110-122,284,114 gives the same sequence; the c. name uses the placement nearest the transcript's 3' end. VCF-style (leftmost placement, unchanged base first): chr3-122284109-T-TGG. GRCh37 (hg19) VCF-style: chr3-122002956-T-TGG.
Other names: c.2189_2190dup, p.Leu731fs (NM_001178065.2); short protein forms L721fs, L731fs.
Identifiers: ClinVar variation 5040561 (VCV005040561.1).